The following is an entry in ClinVar:

ClinVar aggregate classification (germline): Uncertain significance (1 of 4 stars; one submission).

Conditions:
Neonatal-onset encephalopathy with rigidity and seizures. Also called: Lethal neonatal spasticity-epileptic encephalopathy syndrome. Identifiers: Orphanet 435845, MedGen C3281029, MONDO:0013784, OMIM 614498.

Allele frequency attached by ClinVar (database versions not stated): gnomAD 0.00001; TOPMed 0.00001; ExAC 0.00005.
gnomAD v4.1: 17 of 1,568,544 alleles (0.0011%); highest among the groups gnomAD compares: Admixed American, 0.0019%; no homozygotes.

Submission:

Labcorp Genetics (formerly Invitae), Labcorp
Classification: Uncertain significance for Neonatal-onset encephalopathy with rigidity and seizures. Last evaluated: 2022-10-24. Review status: criteria provided, single submitter. Criteria: Invitae Variant Classification Sherloc (09022015). Collection method: clinical testing. Allele origin: germline.
Comment: In summary, the available evidence is currently insufficient to determine the role of this variant in disease. Therefore, it has been classified as a Variant of Uncertain Significance. Advanced modeling of protein sequence and biophysical properties (such as structural, functional, and spatial information, amino acid conservation, physicochemical variation, residue mobility, and thermodynamic stability) performed at Invitae indicates that this missense variant is expected to disrupt BRAT1 protein function. ClinVar contains an entry for this variant (Variation ID: 1063563). This variant has not been reported in the literature in individuals affected with BRAT1-related conditions. The frequency data for this variant in the population databases is considered unreliable, as metrics indicate poor data quality at this position in the gnomAD database. This sequence change replaces arginine, which is basic and polar, with cysteine, which is neutral and slightly polar, at codon 120 of the BRAT1 protein (p.Arg120Cys).

NM_152743.4(BRAT1):c.358C>T (p.Arg120Cys)

Gene: BRAT1 (BRCA1 associated ATM activator 1; minus strand). Cytogenetic location: 7p22.3.
Variant type: single nucleotide variant.
Coding change: c.358C>T on transcript NM_152743.4 (MANE Select); coding-DNA position 358, C replaced by T.
Protein change: p.Arg120Cys; replaces arginine 120 with cysteine.
Molecular consequence: missense variant. On other transcripts: non-coding transcript variant (1), intron variant (1).
Genome position (GRCh38, 1-based): chr7:2,544,981, G>A on the plus strand (C>T on the coding strand, the complement: BRAT1 is on the minus strand). VCF-style: chr7-2544981-G-A. GRCh37 (hg19) VCF-style: chr7-2584615-G-A.
Other names: c.358C>T, p.Arg120Cys (NM_001350626.2); c.-95-1019C>T (NM_001350627.2); short protein forms R120C.
Identifiers: ClinVar variation 1063563 (VCV001063563.7), dbSNP rs769006340, ClinGen allele CA4128228.